The following is an entry in ClinVar:

ClinVar aggregate classification (germline): Uncertain significance (1 of 4 stars; one submission).

Conditions:
Charcot-Marie-Tooth disease type 2. Also called: Charcot-Marie-Tooth type 2. Identifiers: Orphanet 64746, MedGen C0270914, MONDO:0018993.

Submission:

Labcorp Genetics (formerly Invitae), Labcorp
Classification: Uncertain significance for Charcot-Marie-Tooth disease type 2. Last evaluated: 2023-01-29. Review status: criteria provided, single submitter. Criteria: Invitae Variant Classification Sherloc (09022015). Collection method: clinical testing. Allele origin: germline.
Comment: This variant has not been reported in the literature in individuals affected with KIF1B-related conditions. This sequence change replaces proline, which is neutral and non-polar, with arginine, which is basic and polar, at codon 569 of the KIF1B protein (p.Pro569Arg). This variant is not present in population databases (gnomAD no frequency). Advanced modeling of protein sequence and biophysical properties (such as structural, functional, and spatial information, amino acid conservation, physicochemical variation, residue mobility, and thermodynamic stability) performed at Invitae indicates that this missense variant is not expected to disrupt KIF1B protein function. In summary, the available evidence is currently insufficient to determine the role of this variant in disease. Therefore, it has been classified as a Variant of Uncertain Significance.

NM_001365951.3(KIF1B):c.1844C>G (p.Pro615Arg)

Gene: KIF1B (kinesin family member 1B; plus strand). Cytogenetic location: 1p36.22.
Variant type: single nucleotide variant.
Coding change: c.1844C>G on transcript NM_001365951.3 (MANE Select); coding-DNA position 1844, C replaced by G.
Protein change: p.Pro615Arg; replaces proline 615 with arginine.
Molecular consequence: missense variant.
Genome position (GRCh38, 1-based): chr1:10,296,648, C>G. VCF-style: chr1-10296648-C-G. GRCh37 (hg19) VCF-style: chr1-10356706-C-G.
Other names: c.1844C>G, p.Pro615Arg (NM_001365952.1); c.1706C>G, p.Pro569Arg (NM_001365953.1, NM_015074.3, NM_183416.4); short protein forms P615R, P569R.
Identifiers: ClinVar variation 2750361 (VCV002750361.3), dbSNP rs2521398045, ClinGen allele CA338316097.
Genomic context (GRCh38, chr1:10,296,648, plus strand): 5'-TGACCTTAGAGCCCTGTGAGCGCTCAGAAACCTACGTAAATGGCAAGAGGGTGTCCCAGC[C>G]TGTTCAGCTGCGCTCAGGTGAGACTGGGAGAGGTTTGCCATCTTCAGCAATGTGCACATG-3'
Protein context (NP_001352880.1, residues 605-625): TYVNGKRVSQ[Pro615Arg]VQLRSGNRII